The following is an entry in ClinVar:

NM_001059.3(TACR3):c.1345G>A (p.Ala449Thr)

Genes: TACR3 (tachykinin receptor 3; minus strand), TACR3-AS1 (TACR3 antisense RNA 1; plus strand). Cytogenetic location: 4q24.
Variant type: single nucleotide variant.
Coding change: c.1345G>A on transcript NM_001059.3 (MANE Select); coding-DNA position 1345, G replaced by A.
Protein change: p.Ala449Thr; replaces alanine 449 with threonine.
Molecular consequence: missense variant.
Genome position (GRCh38, 1-based): chr4:103,589,735, C>T on the plus strand (G>A on the coding strand, the complement: TACR3 is on the minus strand). VCF-style: chr4-103589735-C-T. GRCh37 (hg19) VCF-style: chr4-104510892-C-T.
Other names: short protein forms A449T.
Identifiers: ClinVar variation 379526 (VCV000379526.20), dbSNP rs17033889, ClinGen allele CA3030899.

ClinVar aggregate classification (germline): Benign/Likely benign. Review status: criteria provided, multiple submitters, no conflicts (2 of 4 stars). 7 submissions from 7 submitters: Benign (4); Likely benign (2). 1 of the submissions does not count toward it. Last evaluated 2025-10-02.

Conditions:
TACR3-related disorder. Also called: TACR3-related condition.
Hypogonadotropic hypogonadism 11 with or without anosmia (HH11). Also called: HYPOGONADOTROPIC HYPOGONADISM 11 WITHOUT ANOSMIA; TACR3-Related GnRH Deficiency. Identifiers: Orphanet 478, MedGen C3553844, MONDO:0013913, OMIM 614840.

Allele frequency attached by ClinVar (database versions not stated): TOPMed 0.00565; ESP Exome Variant Server 0.00569; 1000 Genomes Project 30x 0.00593; 1000 Genomes Project 0.00619.
gnomAD v4.1: 10,484 of 1,613,872 alleles (0.65%); highest among the groups gnomAD compares: East Asian, 1.9%; 60 homozygotes.

Submissions (7):

Labcorp Genetics (formerly Invitae), Labcorp
Classification: Benign. Last evaluated: 2025-10-02. Review status: criteria provided, single submitter. Criteria: Invitae Variant Classification Sherloc (09022015). Collection method: clinical testing. Allele origin: germline.

Blueprint Genetics
Classification: Likely benign. Last evaluated: 2024-11-26. Review status: criteria provided, single submitter. Criteria: ACMG Guidelines, 2015. Collection method: clinical testing. Allele origin: germline.

Fulgent Genetics
Classification: Likely benign for Hypogonadotropic hypogonadism 11 with or without anosmia. Last evaluated: 2022-01-14. Review status: criteria provided, single submitter. Criteria: ACMG Guidelines, 2015. Collection method: clinical testing. Allele origin: unknown.

GeneDx
Classification: Benign. Last evaluated: 2020-03-31. Review status: criteria provided, single submitter. Criteria: GeneDx Variant Classification Process June 2021. Collection method: clinical testing. Allele origin: germline. Affected: yes.
Comment: This variant is associated with the following publications: (PMID: 23643382, 23329188, 27931036)

Illumina Laboratory Services, Illumina
Classification: Benign for Hypogonadotropic hypogonadism 11 with or without anosmia. Last evaluated: 2017-04-27. Review status: criteria provided, single submitter. Criteria: ICSL Variant Classification Criteria 13 December 2019. Collection method: clinical testing. Allele origin: germline.
Comment: This variant was observed as part of a predisposition screen in an ostensibly healthy population. A literature search was performed for the gene, cDNA change, and amino acid change (where applicable). No publications were found based on this search. Allele frequency data from public databases was too high to be consistent with this variant causing disease. Therefore, this variant is classified as benign.

Breakthrough Genomics
Classification: Benign. Review status: criteria provided, single submitter. Criteria: ACMG Guidelines, 2015. Collection method: not provided. Allele origin: germline. Inheritance: Autosomal recessive inheritance. Affected: yes.

PreventionGenetics, part of Exact Sciences
Classification: Benign for TACR3-related condition. Last evaluated: 2021-08-10. Review status: no assertion criteria provided. Collection method: clinical testing. Allele origin: germline. Not counted in ClinVar's aggregate classification.
Comment: This variant is classified as benign based on ACMG/AMP sequence variant interpretation guidelines (Richards et al. 2015 PMID: 25741868, with internal and published modifications).